The following is an entry in ClinVar:

NM_014855.3(AP5Z1):c.591C>T (p.Gly197=)

Gene: AP5Z1 (adaptor related protein complex 5 subunit zeta 1; plus strand). Cytogenetic location: 7p22.1.
Variant type: single nucleotide variant.
Coding change: c.591C>T on transcript NM_014855.3 (MANE Select); coding-DNA position 591, C replaced by T.
Protein change: p.Gly197=; no amino-acid change (glycine 197 retained).
Molecular consequence: synonymous variant. On other transcripts: non-coding transcript variant (1).
Genome position (GRCh38, 1-based): chr7:4,783,768, C>T. VCF-style: chr7-4783768-C-T. GRCh37 (hg19) VCF-style: chr7-4823399-C-T.
Other names: c.123C>T, p.Gly41= (NM_001364858.1).
Identifiers: ClinVar variation 3058602 (VCV003058602.2), dbSNP rs1210981615, ClinGen allele CA453629976.

ClinVar aggregate classification (germline): Likely benign (0 of 4 stars; one submission).

Conditions:
AP5Z1-related disorder. Also called: AP5Z1-related condition.

Allele frequency attached by ClinVar (database versions not stated): TOPMed 0.00003; gnomAD 0.00005.
gnomAD v4.1: 31 of 1,550,180 alleles (0.002%); highest among the groups gnomAD compares: Admixed American, 0.02%; no homozygotes.

Submission:

PreventionGenetics, part of Exact Sciences
Classification: Likely benign for AP5Z1-related condition. Last evaluated: 2019-02-21. Review status: no assertion criteria provided. Collection method: clinical testing. Allele origin: germline.
Comment: This variant is classified as likely benign based on ACMG/AMP sequence variant interpretation guidelines (Richards et al. 2015 PMID: 25741868, with internal and published modifications).